The following is an entry in ClinVar:

ClinVar aggregate classification (germline): Uncertain significance (1 of 4 stars; one submission).

Submission:

GeneDx
Classification: Uncertain significance. Last evaluated: 2024-09-19. Review status: criteria provided, single submitter. Criteria: GeneDx Variant Classification Process June 2021. Collection method: clinical testing. Allele origin: germline. Affected: yes.
Comment: Not observed at significant frequency in large population cohorts (gnomAD); Canonical splice site variant with an unclear effect on protein function; Has not been previously published as pathogenic or benign to our knowledge

NM_001375524.1(TRRAP):c.4549-2A>G

Gene: TRRAP (transformation/transcription domain associated protein; plus strand). Cytogenetic location: 7q22.1.
Variant type: single nucleotide variant.
Coding change: c.4549-2A>G on transcript NM_001375524.1 (MANE Select); the canonical splice acceptor site of the intron before coding-DNA position 4549, A replaced by G.
Molecular consequence: splice acceptor variant.
Genome position (GRCh38, 1-based): chr7:98,948,219, A>G. VCF-style: chr7-98948219-A-G. GRCh37 (hg19) VCF-style: chr7-98545842-A-G.
Other names: c.4528-2A>G (NM_001244580.2); c.4474-2A>G (NM_003496.4).
Identifiers: ClinVar variation 3774182 (VCV003774182.1).
Genomic context (GRCh38, chr7:98,948,219, plus strand): 5'-GTTGACCTCTGTCACTTGCAAAATTAATCGACCTGTTTATAATTTCTGGTTTTCTTGATC[A>G]GGAAATGAAGATTTGCTCAGCAATTATAAACCTTTTTCATCTGATCCCGGCTGCTCCTCA-3'